The following is an entry in ClinVar:

ClinVar aggregate classification (germline): Uncertain significance. Review status: criteria provided, multiple submitters, no conflicts (2 of 4 stars). 2 submissions from 2 submitters: Uncertain significance (2). Last evaluated 2024-02-06.

Conditions:
Inborn genetic diseases. Identifiers: MedGen C0950123, MeSH D030342.

Allele frequency attached by ClinVar (database versions not stated): gnomAD 0.00001.
gnomAD v4.1: 3 of 1,595,334 alleles (0.00019%); highest among the groups gnomAD compares: Admixed American, 0.0034%; no homozygotes.

Submissions (2):

Ambry Genetics
Classification: Uncertain significance for Inborn genetic diseases. Last evaluated: 2024-02-06. Review status: criteria provided, single submitter. Criteria: Ambry Variant Classification Scheme 2023. Collection method: clinical testing. Allele origin: germline.

Labcorp Genetics (formerly Invitae), Labcorp
Classification: Uncertain significance. Last evaluated: 2022-06-19. Review status: criteria provided, single submitter. Criteria: Invitae Variant Classification Sherloc (09022015). Collection method: clinical testing. Allele origin: germline.
Comment: This sequence change replaces alanine, which is neutral and non-polar, with serine, which is neutral and polar, at codon 564 of the PNPLA8 protein (p.Ala564Ser). This variant is not present in population databases (gnomAD no frequency). This variant has not been reported in the literature in individuals affected with PNPLA8-related conditions. Algorithms developed to predict the effect of missense changes on protein structure and function are either unavailable or do not agree on the potential impact of this missense change (SIFT: "Tolerated"; PolyPhen-2: "Probably Damaging"; Align-GVGD: "Class C0"). In summary, the available evidence is currently insufficient to determine the role of this variant in disease. Therefore, it has been classified as a Variant of Uncertain Significance.

NM_001256007.3(PNPLA8):c.1690G>T (p.Ala564Ser)

Gene: PNPLA8 (patatin like domain 8, phospholipase A2; minus strand). Cytogenetic location: 7q31.1.
Variant type: single nucleotide variant.
Coding change: c.1690G>T on transcript NM_001256007.3 (MANE Select); coding-DNA position 1690, G replaced by T.
Protein change: p.Ala564Ser; replaces alanine 564 with serine.
Molecular consequence: missense variant.
Genome position (GRCh38, 1-based): chr7:108,487,947, C>A on the plus strand (G>T on the coding strand, the complement: PNPLA8 is on the minus strand). VCF-style: chr7-108487947-C-A. GRCh37 (hg19) VCF-style: chr7-108128391-C-A.
Other names: c.1690G>T, p.Ala564Ser (NM_001256008.3, NM_001256009.3, NM_015723.5); c.1390G>T, p.Ala464Ser (NM_001256010.3, NM_001256011.3); short protein forms A464S, A564S.
Identifiers: ClinVar variation 1960424 (VCV001960424.3), dbSNP rs754208244, ClinGen allele CA368894777.